The following is an entry in ClinVar:

NM_014874.4(MFN2):c.*226C>T

Gene: MFN2 (mitofusin 2; plus strand). Cytogenetic location: 1p36.22.
Variant type: single nucleotide variant.
Coding change: c.*226C>T on transcript NM_014874.4 (MANE Select); 226 bases downstream of the stop codon, C replaced by T.
Molecular consequence: 3 prime UTR variant.
Genome position (GRCh38, 1-based): chr1:12,011,791, C>T. VCF-style: chr1-12011791-C-T. GRCh37 (hg19) VCF-style: chr1-12071848-C-T.
Other names: c.*226C>T (NM_001127660.2).
Identifiers: ClinVar variation 875745 (VCV000875745.4), dbSNP rs184254413, ClinGen allele CA18018200.

ClinVar aggregate classification (germline): Benign. Review status: criteria provided, single submitter (1 of 4 stars). 2 submissions from 1 submitter: Benign (2). Last evaluated 2018-01-13.

Conditions:
Hereditary motor and sensory neuropathy with optic atrophy. Also called: PERIPHERAL NEUROPATHY AND OPTIC ATROPHY; CHARCOT-MARIE-TOOTH DISEASE, TYPE 6. Identifiers: Orphanet 90120, MedGen C0393807, MONDO:0019551.
Charcot-Marie-Tooth disease type 2. Also called: Charcot-Marie-Tooth type 2. Identifiers: Orphanet 64746, MedGen C0270914, MONDO:0018993.

Allele frequency attached by ClinVar (database versions not stated): gnomAD 0.00001 and 0.00018; 1000 Genomes Project 30x 0.00125; gnomAD exomes 0.00072; TOPMed 0.00005; 1000 Genomes Project 0.00160.
gnomAD v4.1: 335 of 601,502 alleles (0.056%); highest among the groups gnomAD compares: South Asian, 0.62%; 6 homozygotes.

Submissions (2):

Illumina Laboratory Services, Illumina
Classification: Benign for Charcot-Marie-Tooth disease, type 2. Last evaluated: 2018-01-13. Review status: criteria provided, single submitter. Criteria: ICSL Variant Classification Criteria 13 December 2019. Collection method: clinical testing. Allele origin: germline.
Comment: This variant was observed in the ICSL laboratory as part of a predisposition screen in an ostensibly healthy population. It had not been previously curated by ICSL or reported in the Human Gene Mutation Database (HGMD: prior to June 1st, 2018), and was therefore a candidate for classification through an automated scoring system. Utilizing variant allele frequency, disease prevalence and penetrance estimates, and inheritance mode, an automated score was calculated to assess if this variant is too frequent to cause the disease. Based on the score and internal cut-off values, a variant classified as benign is not then subjected to further curation. The score for this variant resulted in a classification of benign for this disease.

Illumina Laboratory Services, Illumina
Classification: Benign for Neuropathy, hereditary motor and sensory, type 6A. Last evaluated: 2018-01-13. Review status: criteria provided, single submitter. Criteria: ICSL Variant Classification Criteria 13 December 2019. Collection method: clinical testing. Allele origin: germline.
Comment: the same text as in the submission from Illumina Laboratory Services, Illumina above.